The following is an entry in ClinVar:

NM_017780.4(CHD7):c.7200GAG[6] (p.Arg2405_Lys2406insArg)

Gene: CHD7 (chromodomain helicase DNA binding protein 7; plus strand). Cytogenetic location: 8q12.2.
Variant type: Microsatellite.
Coding change: c.7200GAG[6] on transcript NM_017780.4 (MANE Select); six copies in a row of the 3-base unit GAG starting at c.7200; the reference has five copies in a row; one copy, 3 bases duplicated.
Protein change: p.Arg2405_Lys2406insArg.
Molecular consequence: inframe insertion. On other transcripts: intron variant (1).
Genome position (GRCh38, 1-based): chr8:60,856,492-60,856,494, GAG duplicated; duplicating any 3 consecutive bases within chr8:60,856,479-60,856,494 gives the same sequence; the position shown is the placement nearest the transcript's 3' end. VCF-style (leftmost placement, unchanged base first): chr8-60856478-C-CGGA. GRCh37 (hg19) VCF-style: chr8-61769037-C-CGGA.
Other names: c.1717-5750GGA[6] (NM_001316690.1).
Identifiers: ClinVar variation 3624292 (VCV003624292.2).

ClinVar aggregate classification (germline): Uncertain significance (1 of 4 stars; one submission).

Conditions:
CHARGE syndrome (CHARGE). Also called: Hittner Hirsch Kreh syndrome; CHARGE ASSOCIATION--COLOBOMA, HEART ANOMALY, CHOANAL ATRESIA, RETARDATION, GENITAL AND EAR ANOMALIES; Coloboma, heart anomaly, choanal atresia, retardation, genital and ear anomalies; CHARGE association; Hall-Hittner syndrome. Identifiers: Orphanet 138, MedGen C0265354, MONDO:0008965.

Submission:

Labcorp Genetics (formerly Invitae), Labcorp
Classification: Uncertain significance for CHARGE syndrome. Last evaluated: 2024-09-08. Review status: criteria provided, single submitter. Criteria: Invitae Variant Classification Sherloc (09022015). Collection method: clinical testing. Allele origin: germline.
Comment: This variant, c.7212_7214dup, results in the insertion of 1 amino acid(s) of the CHD7 protein (p.Arg2405dup), but otherwise preserves the integrity of the reading frame. This variant is present in population databases (rs757448626, gnomAD 0.006%). This variant has not been reported in the literature in individuals affected with CHD7-related conditions. Experimental studies and prediction algorithms are not available or were not evaluated, and the functional significance of this variant is currently unknown. In summary, the available evidence is currently insufficient to determine the role of this variant in disease. Therefore, it has been classified as a Variant of Uncertain Significance.